The following is an entry in ClinVar:

ClinVar aggregate classification (germline): Uncertain significance (1 of 4 stars; one submission).

Allele frequency attached by ClinVar (database versions not stated): gnomAD 0.00001; TOPMed 0.00001; gnomAD exomes 0.00003.
gnomAD v4.1: 12 of 1,551,596 alleles (0.00077%); highest among the groups gnomAD compares: South Asian, 0.0012%; no homozygotes.

Submission:

Labcorp Genetics (formerly Invitae), Labcorp
Classification: Uncertain significance. Last evaluated: 2024-02-20. Review status: criteria provided, single submitter. Criteria: Invitae Variant Classification Sherloc (09022015). Collection method: clinical testing. Allele origin: germline.
Comment: This sequence change replaces alanine, which is neutral and non-polar, with threonine, which is neutral and polar, at codon 230 of the SBF1 protein (p.Ala230Thr). The frequency data for this variant in the population databases is considered unreliable, as metrics indicate poor data quality at this position in the gnomAD database. This variant has not been reported in the literature in individuals affected with SBF1-related conditions. ClinVar contains an entry for this variant (Variation ID: 1517089). Advanced modeling of protein sequence and biophysical properties (such as structural, functional, and spatial information, amino acid conservation, physicochemical variation, residue mobility, and thermodynamic stability) performed at Invitae indicates that this missense variant is not expected to disrupt SBF1 protein function with a negative predictive value of 80%. In summary, the available evidence is currently insufficient to determine the role of this variant in disease. Therefore, it has been classified as a Variant of Uncertain Significance.

NM_002972.4(SBF1):c.688G>A (p.Ala230Thr)

Gene: SBF1 (SET binding factor 1; minus strand). Cytogenetic location: 22q13.33.
Variant type: single nucleotide variant.
Coding change: c.688G>A on transcript NM_002972.4 (MANE Select); coding-DNA position 688, G replaced by A.
Protein change: p.Ala230Thr; replaces alanine 230 with threonine.
Molecular consequence: missense variant.
Genome position (GRCh38, 1-based): chr22:50,466,450, C>T on the plus strand (G>A on the coding strand, the complement: SBF1 is on the minus strand). VCF-style: chr22-50466450-C-T. GRCh37 (hg19) VCF-style: chr22-50904879-C-T.
Other names: c.691G>A, p.Ala231Thr (NM_001365819.1); short protein forms A230T, A231T.
Identifiers: ClinVar variation 1517089 (VCV001517089.6), dbSNP rs1008742761, ClinGen allele CA325535338.